The following is an entry in ClinVar:

NM_001367624.2(ZNF469):c.6929G>C (p.Ser2310Thr)

Gene: ZNF469 (zinc finger protein 469; plus strand). Cytogenetic location: 16q24.2.
Variant type: single nucleotide variant.
Coding change: c.6929G>C on transcript NM_001367624.2 (MANE Select); coding-DNA position 6929, G replaced by C.
Protein change: p.Ser2310Thr; replaces serine 2310 with threonine.
Molecular consequence: missense variant.
Genome position (GRCh38, 1-based): chr16:88,434,399, G>C. VCF-style: chr16-88434399-G-C. GRCh37 (hg19) VCF-style: chr16-88500807-G-C.
Other names: NM_001127464.1:c.6845G>C; short protein forms S2310T.
Identifiers: ClinVar variation 3232847 (VCV003232847.1), dbSNP rs1374581727, ClinGen allele CA397107764.

ClinVar aggregate classification (germline): Uncertain significance (1 of 4 stars; one submission).

Conditions:
Cardiovascular phenotype. Identifiers: MedGen CN230736.

Submission:

Ambry Genetics
Classification: Uncertain significance for Cardiovascular phenotype. Last evaluated: 2024-02-22. Review status: criteria provided, single submitter. Criteria: Ambry Variant Classification Scheme 2023. Collection method: clinical testing. Allele origin: germline.
Comment: The p.S2282T variant (also known as c.6845G>C), located in coding exon 2 of the ZNF469 gene, results from a G to C substitution at nucleotide position 6845. The serine at codon 2282 is replaced by threonine, an amino acid with similar properties. This amino acid position is conserved. In addition, this alteration is predicted to be tolerated by in silico analysis. Based on the available evidence, the clinical significance of this alteration remains unclear.